The following is an entry in ClinVar:

ClinVar aggregate classification (germline): Benign/Likely benign. Review status: criteria provided, multiple submitters, no conflicts (2 of 4 stars). 6 submissions from 6 submitters: Benign (3); Likely benign (3). Last evaluated 2026-01-27.

Conditions:
Cardiac arrhythmia. Also called: Cardiac rhythm disease; Arrhythmia. Identifiers: MedGen C0003811, MONDO:0007263, HP:0011675.
Long QT syndrome (LQTS). Identifiers: MedGen C0023976, MeSH D008133, MONDO:0002442. Disease mechanism: loss of function. Inheritance: Various modes of inheritance.

Submissions (6):

Labcorp Genetics (formerly Invitae), Labcorp
Classification: Likely benign for Long QT syndrome. Last evaluated: 2026-01-27. Review status: criteria provided, single submitter. Criteria: Invitae Variant Classification Sherloc (09022015). Collection method: clinical testing. Allele origin: germline.

ARUP Laboratories, Molecular Genetics and Genomics, ARUP Laboratories
Classification: Likely benign. Last evaluated: 2025-06-05. Review status: criteria provided, single submitter. Criteria: ARUP Molecular Germline Variant Investigation Process 2024. Collection method: clinical testing. Allele origin: germline.

Blueprint Genetics
Classification: Benign. Last evaluated: 2024-06-11. Review status: criteria provided, single submitter. Criteria: ACMG Guidelines, 2015. Collection method: clinical testing. Allele origin: germline.

Women's Health and Genetics/Laboratory Corporation of America, LabCorp
Classification: Benign. Last evaluated: 2021-05-24. Review status: criteria provided, single submitter. Criteria: LabCorp Variant Classification Summary - May 2015. Collection method: clinical testing. Allele origin: germline.
Comment: Variant summary: KCNQ1 c.781-14_781-13delGT alters a nucleotide located close to a canonical splice site and therefore could affect mRNA splicing, leading to a significantly altered protein sequence. 4/4 computational tools predict no significant impact on normal splicing. However, these predictions have yet to be confirmed by functional studies. The variant allele was found at a frequency of 9.1e-05 in 395002 control chromosomes, predominantly at a frequency of 0.00057 within the East Asian subpopulation in the gnomAD database (v2.1 exomes and v3.1 genomes datasets). The observed variant frequency within East Asian control individuals in the gnomAD database is approximately 5.7 fold of the estimated maximal expected allele frequency for a pathogenic variant in KCNQ1 causing Arrhythmia phenotype (0.0001), strongly suggesting that the variant is a benign polymorphism. To our knowledge, no occurrence of c.781-14_781-13delGT in individuals affected with Arrhythmia and no experimental evidence demonstrating its impact on protein function have been reported. No clinical diagnostic laboratories have submitted clinical-significance assessments for this variant to ClinVar after 2014. Based on the evidence outlined above, the variant was classified as benign.

GeneDx
Classification: Benign for Cardiac arrhythmia. Last evaluated: 2014-07-25. Review status: criteria provided, single submitter. Criteria: GeneDx Variant Classification (06012015). Collection method: clinical testing. Allele origin: germline. Affected: yes.
Comment: The variant is found in LQT,POSTMORTEM panel(s).

Laboratory for Molecular Medicine, Mass General Brigham Personalized Medicine
Classification: Likely benign. Last evaluated: 2014-01-03. Review status: criteria provided, single submitter. Criteria: LMM Criteria. Collection method: clinical testing. Allele origin: germline. Observed: 2 variant alleles.
Comment: 781-14_781-13delGT in Intron 5 of KCNQ1: This variant is not expected to have cl inical significance because it is not located in the splice consensus sequence a nd computational tools do not predict an impact to splicing.

NM_000218.3(KCNQ1):c.781-19TG[2]

Gene: KCNQ1 (potassium voltage-gated channel subfamily Q member 1; plus strand). Cytogenetic location: 11p15.5.
Variant type: Microsatellite.
Coding change: c.781-19TG[2] on transcript NM_000218.3 (MANE Select); two copies in a row of the 2-base unit TG starting at c.781-19.
Molecular consequence: intron variant.
Genome position: GRCh38 VCF-style: chr11-2572826-CTG-C. GRCh37 (hg19) VCF-style: chr11-2594056-CTG-C.
Other names: c.511-19TG[2] (NM_001406837.1); c.781-19TG[2] (NM_001406836.1); c.478-10608TG[2] (NM_001406838.1); c.400-19TG[2] (NM_181798.2); c.781-14_781-13delGT (NM_000218.2).
Identifiers: ClinVar variation 163739 (VCV000163739.18), dbSNP rs727503103, ClinGen allele CA008201.